The following is an entry in ClinVar:

NM_020884.7(MYH7B):c.1273T>G (p.Phe425Val)

Gene: MYH7B (myosin heavy chain 7B; plus strand). Cytogenetic location: 20q11.22.
Variant type: single nucleotide variant.
Coding change: c.1273T>G on transcript NM_020884.7 (MANE Select); coding-DNA position 1273, T replaced by G.
Protein change: p.Phe425Val; replaces phenylalanine 425 with valine.
Molecular consequence: missense variant.
Genome position (GRCh38, 1-based): chr20:34,987,771, T>G. VCF-style: chr20-34987771-T-G. GRCh37 (hg19) VCF-style: chr20-33575574-T-G.
Other names: c.1399T>G (NM_020884.3); short protein forms F425V.
Identifiers: ClinVar variation 2961155 (VCV002961155.4), dbSNP rs369563695, ClinGen allele CA9826893.

ClinVar aggregate classification (germline): Uncertain significance. Review status: criteria provided, multiple submitters, no conflicts (2 of 4 stars). 2 submissions from 2 submitters: Uncertain significance (2). Last evaluated 2025-08-01.

Allele frequency attached by ClinVar (database versions not stated): gnomAD exomes 0.00001; gnomAD 0.00003; ESP Exome Variant Server 0.00032; ExAC 0.00002; TOPMed 0.00006.

Submissions (2):

Labcorp Genetics (formerly Invitae), Labcorp
Classification: Uncertain significance. Last evaluated: 2025-08-01. Review status: criteria provided, single submitter. Criteria: Invitae Variant Classification Sherloc (09022015). Collection method: clinical testing. Allele origin: germline.
Comment: This sequence change replaces phenylalanine, which is neutral and non-polar, with valine, which is neutral and non-polar, at codon 467 of the MYH7B protein (p.Phe467Val). This variant is present in population databases (rs369563695, gnomAD 0.02%). This variant has not been reported in the literature in individuals affected with MYH7B-related conditions. ClinVar contains an entry for this variant (Variation ID: 2961155). Invitae Evidence Modeling of protein sequence and biophysical properties (such as structural, functional, and spatial information, amino acid conservation, physicochemical variation, residue mobility, and thermodynamic stability) indicates that this missense variant is not expected to disrupt MYH7B protein function with a negative predictive value of 80%. In summary, the available evidence is currently insufficient to determine the role of this variant in disease. Therefore, it has been classified as a Variant of Uncertain Significance.

Ambry Genetics
Classification: Uncertain significance. Last evaluated: 2023-12-27. Review status: criteria provided, single submitter. Criteria: Ambry Variant Classification Scheme 2023. Collection method: clinical testing. Allele origin: germline.